The following is an entry in ClinVar:

NC_000017.11:g.(?_17213655)_(17232901_?)dup

Gene: FLCN (folliculin; minus strand). Cytogenetic location: 17p11.2.
Variant type: Duplication.
Identifiers: ClinVar variation 831180 (VCV000831180.3).

ClinVar aggregate classification (germline): Uncertain significance (1 of 4 stars; one submission).

Conditions:
Birt-Hogg-Dube syndrome. Also called: Birt Hogg Dubé syndrome. Identifiers: Orphanet 122, MedGen C0346010, MONDO:0800444.

Submission:

Labcorp Genetics (formerly Invitae), Labcorp
Classification: Uncertain significance for Birt-Hogg-Dube syndrome. Last evaluated: 2023-12-19. Review status: criteria provided, single submitter. Criteria: Invitae Variant Classification Sherloc (09022015). Collection method: clinical testing. Allele origin: germline.
Comment: A copy number gain of the genomic region encompassing the full coding sequence of the FLCN gene has been identified. The boundaries of this event are unknown as they extend beyond the assayed region for this gene and therefore may encompass additional genes. As the precise location of this event is unknown, it may be in tandem or it may be located elsewhere in the genome. This variant has not been reported in the literature in individuals affected with FLCN-related conditions. Experimental studies and prediction algorithms are not available or were not evaluated, and the functional significance of this variant is currently unknown. In summary, the available evidence is currently insufficient to determine the role of this variant in disease. Therefore, it has been classified as a Variant of Uncertain Significance.